The following is an entry in ClinVar:

NM_001135022.2(ELMOD3):c.866C>T (p.Ala289Val)

Gene: ELMOD3 (ELMO domain containing 3; plus strand). Cytogenetic location: 2p11.2.
Variant type: single nucleotide variant.
Coding change: c.866C>T on transcript NM_001135022.2 (MANE Select); coding-DNA position 866, C replaced by T.
Protein change: p.Ala289Val; replaces alanine 289 with valine.
Molecular consequence: missense variant. On other transcripts: non-coding transcript variant (3).
Genome position (GRCh38, 1-based): chr2:85,390,188, C>T. VCF-style: chr2-85390188-C-T. GRCh37 (hg19) VCF-style: chr2-85617311-C-T.
Other names: c.866C>T, p.Ala289Val (NM_001135021.2, NM_001135023.2, NM_001329791.2 and 3 more transcripts); short protein forms A289V.
Identifiers: ClinVar variation 1476138 (VCV001476138.7), dbSNP rs781463607, ClinGen allele CA1740529.

ClinVar aggregate classification (germline): Uncertain significance. Review status: criteria provided, multiple submitters, no conflicts (2 of 4 stars). 2 submissions from 2 submitters: Uncertain significance (2). Last evaluated 2022-11-10.

Allele frequency attached by ClinVar (database versions not stated): gnomAD 0.00001; TOPMed 0.00001; ExAC 0.00003; gnomAD exomes 0.00003.

Submissions (2):

Ambry Genetics
Classification: Uncertain significance. Last evaluated: 2022-11-10. Review status: criteria provided, single submitter. Criteria: Ambry Variant Classification Scheme 2023. Collection method: clinical testing. Allele origin: germline.

Labcorp Genetics (formerly Invitae), Labcorp
Classification: Uncertain significance. Last evaluated: 2021-12-25. Review status: criteria provided, single submitter. Criteria: Invitae Variant Classification Sherloc (09022015). Collection method: clinical testing. Allele origin: germline.
Comment: This sequence change replaces alanine, which is neutral and non-polar, with valine, which is neutral and non-polar, at codon 289 of the ELMOD3 protein (p.Ala289Val). This variant is present in population databases (rs781463607, gnomAD 0.007%). This variant has not been reported in the literature in individuals affected with ELMOD3-related conditions. Algorithms developed to predict the effect of missense changes on protein structure and function output the following: SIFT: "Tolerated"; PolyPhen-2: "Benign"; Align-GVGD: "Class C0". The valine amino acid residue is found in multiple mammalian species, which suggests that this missense change does not adversely affect protein function. In summary, the available evidence is currently insufficient to determine the role of this variant in disease. Therefore, it has been classified as a Variant of Uncertain Significance.